The following is an entry in ClinVar:

ClinVar aggregate classification (germline): Uncertain significance. Review status: criteria provided, multiple submitters, no conflicts (2 of 4 stars). 4 submissions from 4 submitters: Uncertain significance (3). 1 of the submissions does not count toward it. Last evaluated 2025-11-05.

Conditions:
Hereditary nonpolyposis colorectal neoplasms. Identifiers: MedGen C0009405, MeSH D003123.
Hereditary cancer-predisposing syndrome. Also called: Hereditary Cancer Syndrome; Hereditary neoplastic syndrome; Tumor predisposition; Neoplastic Syndromes, Hereditary. Identifiers: Orphanet 140162, MedGen C0027672, MeSH D009386, MONDO:0015356.
Lynch syndrome 4 (LYNCH4). Also called: Hereditary non-polyposis colorectal cancer, type 4; Colorectal cancer, hereditary nonpolyposis, type 4. Identifiers: Orphanet 144, MedGen C1838333, MONDO:0013699, OMIM 614337. Disease mechanism: loss of function.

Submissions (4):

Labcorp Genetics (formerly Invitae), Labcorp
Classification: Uncertain significance for Hereditary nonpolyposis colorectal neoplasms. Last evaluated: 2025-11-05. Review status: criteria provided, single submitter. Criteria: Invitae Variant Classification Sherloc (09022015). Collection method: clinical testing. Allele origin: germline.
Comment: This sequence change replaces cysteine, which is neutral and slightly polar, with arginine, which is basic and polar, at codon 798 of the PMS2 protein (p.Cys798Arg). The frequency data for this variant in the population databases (gnomAD) is considered unreliable due to the presence of homologous sequence, such as pseudogenes or paralogs, in the genome. This variant has not been reported in the literature in individuals affected with PMS2-related conditions. ClinVar contains an entry for this variant (Variation ID: 548764). Invitae Evidence Modeling of protein sequence and biophysical properties (such as structural, functional, and spatial information, amino acid conservation, physicochemical variation, residue mobility, and thermodynamic stability) indicates that this missense variant is expected to disrupt PMS2 protein function with a positive predictive value of 80%. In summary, the available evidence is currently insufficient to determine the role of this variant in disease. Therefore, it has been classified as a Variant of Uncertain Significance.

Ambry Genetics
Classification: Uncertain significance for Hereditary cancer-predisposing syndrome. Last evaluated: 2024-09-13. Review status: criteria provided, single submitter. Criteria: Ambry Variant Classification Scheme 2023. Collection method: clinical testing. Allele origin: germline.
Comment: The p.C798R variant (also known as c.2392T>C), located in coding exon 14 of the PMS2 gene, results from a T to C substitution at nucleotide position 2392. The cysteine at codon 798 is replaced by arginine, an amino acid with highly dissimilar properties. This alteration was identified in 1/136 Turkish colorectal cancer patients undergoing multigene panel testing for hereditary cancer risk (Erdem HB et al. Turk J Med Sci, 2020 06;50:1015-1021). This amino acid position is highly conserved in available vertebrate species. In addition, this alteration is predicted to be deleterious by in silico analysis. Based on the available evidence, the clinical significance of this variant remains unclear.

Myriad Genetics, Inc.
Classification: Uncertain significance for Lynch syndrome 4. Last evaluated: 2023-04-03. Review status: criteria provided, single submitter. Criteria: Myriad Autosomal Dominant, Autosomal Recessive and X-Linked Classification Criteria (2023). Collection method: clinical testing. Allele origin: unknown.
Comment: This variant is classified as a variant of uncertain significance as there is insufficient evidence to determine its impact on protein function and/or cancer risk.

Counsyl
Classification: Uncertain significance for Lynch syndrome 4. Last evaluated: 2017-07-07. Review status: no assertion criteria provided. Collection method: clinical testing. Allele origin: unknown. Not counted in ClinVar's aggregate classification.

Literature cited by the submitters: PubMed 32283892 (cited by Ambry Genetics).

NM_000535.7(PMS2):c.2392T>C (p.Cys798Arg)

Gene: PMS2 (PMS1 homolog 2, mismatch repair system component; minus strand). Cytogenetic location: 7p22.1.
Variant type: single nucleotide variant.
Coding change: c.2392T>C on transcript NM_000535.7 (MANE Select); coding-DNA position 2392, T replaced by C.
Protein change: p.Cys798Arg; replaces cysteine 798 with arginine.
Molecular consequence: missense variant. On other transcripts: non-coding transcript variant (1).
Genome position (GRCh38, 1-based): chr7:5,977,641, A>G on the plus strand (T>C on the coding strand, the complement: PMS2 is on the minus strand). VCF-style: chr7-5977641-A-G. GRCh37 (hg19) VCF-style: chr7-6017272-A-G.
Other names: c.1987T>C, p.Cys663Arg (NM_001322003.2, NM_001322004.2, NM_001322005.2); c.2236T>C, p.Cys746Arg (NM_001322006.2); c.2074T>C, p.Cys692Arg (NM_001322007.2, NM_001322008.2); c.2020T>C, p.Cys674Arg (NM_001322009.2); c.1831T>C, p.Cys611Arg (NM_001322010.2); c.1459T>C, p.Cys487Arg (NM_001322011.2, NM_001322012.2); c.1819T>C, p.Cys607Arg (NM_001322013.2); c.2425T>C, p.Cys809Arg (NM_001322014.2); and 1 more; short protein forms C798R, C607R, C663R, C611R, C674R, C809R, C487R, C692R.
Identifiers: ClinVar variation 548764 (VCV000548764.11), dbSNP rs1554293839, ClinGen allele CA366735712.